The following is an entry in ClinVar:

NM_001364905.1(LRBA):c.3782G>C (p.Ser1261Thr)

Gene: LRBA (LPS responsive beige-like anchor protein; minus strand). Cytogenetic location: 4q31.3.
Variant type: single nucleotide variant.
Coding change: c.3782G>C on transcript NM_001364905.1 (MANE Select); coding-DNA position 3782, G replaced by C.
Protein change: p.Ser1261Thr; replaces serine 1261 with threonine.
Molecular consequence: missense variant.
Genome position (GRCh38, 1-based): chr4:150,851,928, C>G on the plus strand (G>C on the coding strand, the complement: LRBA is on the minus strand). VCF-style: chr4-150851928-C-G. GRCh37 (hg19) VCF-style: chr4-151773080-C-G.
Other names: c.3782G>C, p.Ser1261Thr (NM_001199282.3, NM_001367550.1, NM_006726.5); short protein forms S1261T.
Identifiers: ClinVar variation 1000963 (VCV001000963.8), dbSNP rs767343869, ClinGen allele CA358456304.
Genomic context (GRCh38, chr4:150,851,928, plus strand): 5'-ACAATATATAAAATCACCTCAAGCACATGTCGATGAGGTTGAGGTGCTTCCACGTTGGGA[C>G]TGGCCTTCAACTCCAGCCTCTCAGTATCTGTAGCAACATTGGAAACATCCAACTTCGCAA-3'
Protein context (NP_001351834.1, residues 1251-1271): TDTERLELKA[Ser1261Thr]PNVEAPQPHR

ClinVar aggregate classification (germline): Uncertain significance (1 of 4 stars; one submission).

Conditions:
Combined immunodeficiency due to LRBA deficiency. Also called: Common variable immunodeficiency 8, with autoimmunity. Identifiers: Orphanet 445018, MedGen C3553512, MONDO:0013863, OMIM 614700.

Submission:

Labcorp Genetics (formerly Invitae), Labcorp
Classification: Uncertain significance for Combined immunodeficiency due to LRBA deficiency. Last evaluated: 2020-04-06. Review status: criteria provided, single submitter. Criteria: Invitae Variant Classification Sherloc (09022015). Collection method: clinical testing. Allele origin: germline.
Comment: In summary, the available evidence is currently insufficient to determine the role of this variant in disease. Therefore, it has been classified as a Variant of Uncertain Significance. Algorithms developed to predict the effect of missense changes on protein structure and function output the following: SIFT: "Tolerated"; PolyPhen-2: "Benign"; Align-GVGD: "Class C0". The threonine amino acid residue is found in multiple mammalian species, suggesting that this missense change does not adversely affect protein function. These predictions have not been confirmed by published functional studies and their clinical significance is uncertain. This variant has not been reported in the literature in individuals with LRBA-related conditions. This variant is not present in population databases (ExAC no frequency). This sequence change replaces serine with threonine at codon 1261 of the LRBA protein (p.Ser1261Thr). The serine residue is weakly conserved and there is a small physicochemical difference between serine and threonine.